The following is an entry in ClinVar:

ClinVar aggregate classification (germline): Uncertain significance (1 of 4 stars; one submission).

Conditions:
Inborn genetic diseases. Identifiers: MedGen C0950123, MeSH D030342.

Submission:

Ambry Genetics
Classification: Uncertain significance for Inborn genetic diseases. Last evaluated: 2025-10-10. Review status: criteria provided, single submitter. Criteria: Ambry Variant Classification Scheme 2023. Collection method: clinical testing. Allele origin: germline.
Comment: The p.A492V variant (also known as c.1475C>T), located in coding exon 12 of the ASXL1 gene, results from a C to T substitution at nucleotide position 1475. The alanine at codon 492 is replaced by valine, an amino acid with similar properties. This amino acid position is conserved. In addition, this alteration is predicted to be tolerated by in silico analysis. Based on the available evidence, the clinical significance of this variant remains unclear.

NM_015338.6(ASXL1):c.1475C>T (p.Ala492Val)

Gene: ASXL1 (ASXL transcriptional regulator 1; plus strand). Cytogenetic location: 20q11.21.
Variant type: single nucleotide variant.
Coding change: c.1475C>T on transcript NM_015338.6 (MANE Select); coding-DNA position 1475, C replaced by T.
Protein change: p.Ala492Val; replaces alanine 492 with valine.
Molecular consequence: missense variant.
Genome position (GRCh38, 1-based): chr20:32,433,673, C>T. VCF-style: chr20-32433673-C-T. GRCh37 (hg19) VCF-style: chr20-31021476-C-T.
Other names: c.1292C>T, p.Ala431Val (NM_001363734.1); short protein forms A431V, A492V.
Identifiers: ClinVar variation 4587790 (VCV004587790.1).